The following is an entry in ClinVar:

NM_004237.4(TRIP13):c.707T>C (p.Ile236Thr)

Gene: TRIP13 (thyroid hormone receptor interactor 13; plus strand). Cytogenetic location: 5p15.33.
Variant type: single nucleotide variant.
Coding change: c.707T>C on transcript NM_004237.4 (MANE Select); coding-DNA position 707, T replaced by C.
Protein change: p.Ile236Thr; replaces isoleucine 236 with threonine.
Molecular consequence: missense variant.
Genome position (GRCh38, 1-based): chr5:908,022, T>C. VCF-style: chr5-908022-T-C. GRCh37 (hg19) VCF-style: chr5-908137-T-C.
Other names: c.707T>C, p.Ile236Thr (NM_001166260.2); short protein forms I236T.
Identifiers: ClinVar variation 3726460 (VCV003726460.2).
Genomic context (GRCh38, chr5:908,022, plus strand): 5'-ACACTAAAAGGGTGTTTGGGTTCCAGAGTGGCAAGCTGGTAACCAAGATGTTTCAGAAGA[T>C]TCAGGATTTGATTGATGATAAAGACGCCCTGGTGTTCGTGCTGATTGATGAGGTAGGCAT-3'
Protein context (NP_004228.1, residues 226-246): GKLVTKMFQK[Ile236Thr]QDLIDDKDAL

ClinVar aggregate classification (germline): Uncertain significance (1 of 4 stars; one submission).

Submission:

Labcorp Genetics (formerly Invitae), Labcorp
Classification: Uncertain significance. Last evaluated: 2024-12-02. Review status: criteria provided, single submitter. Criteria: Invitae Variant Classification Sherloc (09022015). Collection method: clinical testing. Allele origin: germline.
Comment: This sequence change replaces isoleucine, which is neutral and non-polar, with threonine, which is neutral and polar, at codon 236 of the TRIP13 protein (p.Ile236Thr). This variant is not present in population databases (gnomAD no frequency). This variant has not been reported in the literature in individuals affected with TRIP13-related conditions. An algorithm developed to predict the effect of missense changes on protein structure and function (PolyPhen-2) suggests that this variant is likely to be disruptive. In summary, the available evidence is currently insufficient to determine the role of this variant in disease. Therefore, it has been classified as a Variant of Uncertain Significance.